The following is an entry in ClinVar:

ClinVar aggregate classification (germline): Uncertain significance (1 of 4 stars; one submission).

Conditions:
Lysinuric protein intolerance (LPI). Identifiers: Orphanet 470, MedGen C0268647, MONDO:0009109, OMIM 222700.

Allele frequency attached by ClinVar (database versions not stated): TOPMed below 0.00001; gnomAD 0.00001.
gnomAD v4.1: 5 of 1,614,094 alleles (0.00031%); highest among the groups gnomAD compares: Non-Finnish European, 0.00042%; no homozygotes.

Submission:

Labcorp Genetics (formerly Invitae), Labcorp
Classification: Uncertain significance for Lysinuric protein intolerance. Last evaluated: 2022-09-01. Review status: criteria provided, single submitter. Criteria: Invitae Variant Classification Sherloc (09022015). Collection method: clinical testing. Allele origin: germline.
Comment: In summary, the available evidence is currently insufficient to determine the role of this variant in disease. Therefore, it has been classified as a Variant of Uncertain Significance. Algorithms developed to predict the effect of missense changes on protein structure and function are either unavailable or do not agree on the potential impact of this missense change (SIFT: "Deleterious"; PolyPhen-2: "Probably Damaging"; Align-GVGD: "Class C0"). This variant has not been reported in the literature in individuals affected with SLC7A7-related conditions. This variant is present in population databases (no rsID available, gnomAD 0.007%). This sequence change replaces leucine, which is neutral and non-polar, with valine, which is neutral and non-polar, at codon 344 of the SLC7A7 protein (p.Leu344Val).

NM_003982.4(SLC7A7):c.1030C>G (p.Leu344Val)

Gene: SLC7A7 (solute carrier family 7 member 7; minus strand). Cytogenetic location: 14q11.2.
Variant type: single nucleotide variant.
Coding change: c.1030C>G on transcript NM_003982.4 (MANE Select); coding-DNA position 1030, C replaced by G.
Protein change: p.Leu344Val; replaces leucine 344 with valine.
Molecular consequence: missense variant.
Genome position (GRCh38, 1-based): chr14:22,775,509, G>C on the plus strand (C>G on the coding strand, the complement: SLC7A7 is on the minus strand). VCF-style: chr14-22775509-G-C. GRCh37 (hg19) VCF-style: chr14-23244718-G-C.
Other names: c.1030C>G, p.Leu344Val (NM_001126105.3, NM_001126106.4); short protein forms L344V.
Identifiers: ClinVar variation 1981090 (VCV001981090.4), dbSNP rs766087313, ClinGen allele CA257725821.
Genomic context (GRCh38, chr14:22,775,509, plus strand): 5'-AGAGCAGAGAAGGCACTGGTGTGAACCGCTCAACATGGATCATGCAGATGGCATCAGGGA[G>C]ATGGCCTTCTCTTGAGCCCACAAAGAAAAGCCTATGTTAGGTAAGATAGGAGAAGCTGAG-3'
Protein context (NP_003973.3, residues 334-354): LFFVGSREGH[Leu344Val]PDAICMIHVE